The following is an entry in ClinVar:

ClinVar aggregate classification (germline): Likely benign. Review status: criteria provided, multiple submitters, no conflicts (2 of 4 stars). 2 submissions from 2 submitters: Likely benign (2). Last evaluated 2018-06-14.

Allele frequency attached by ClinVar (database versions not stated): gnomAD exomes 0.00130; 1000 Genomes Project 0.00739; gnomAD 0.00892 and 0.00955; 1000 Genomes Project 30x 0.00906; TOPMed 0.01028.
gnomAD v4.1: 2,357 of 885,472 alleles (0.27%); highest among the groups gnomAD compares: African/African-American, 3%; 33 homozygotes.

Submissions (2):

GeneDx
Classification: Likely benign. Last evaluated: 2018-06-14. Review status: criteria provided, single submitter. Criteria: GeneDx Variant Classification (06012015). Collection method: clinical testing. Allele origin: germline. Affected: yes.
Comment: This variant is considered likely benign or benign based on one or more of the following criteria: it is a conservative change, it occurs at a poorly conserved position in the protein, it is predicted to be benign by multiple in silico algorithms, and/or has population frequency not consistent with disease.

Breakthrough Genomics
Classification: Likely benign. Review status: criteria provided, single submitter. Criteria: ACMG Guidelines, 2015. Collection method: not provided. Allele origin: germline. Inheritance: Autosomal dominant inheritance. Affected: yes.

NM_000093.5(COL5A1):c.4447-101C>T

Genes: COL5A1 (collagen type V alpha 1 chain; plus strand), LOC101448202 (uncharacterized LOC101448202; minus strand). Cytogenetic location: 9q34.3.
Variant type: single nucleotide variant.
Coding change: c.4447-101C>T on transcript NM_000093.5 (MANE Select); 101 bases into the intron before coding-DNA position 4447, C replaced by T.
Molecular consequence: intron variant. On other transcripts: non-coding transcript variant (1).
Genome position (GRCh38, 1-based): chr9:134,820,015, C>T. VCF-style: chr9-134820015-C-T. GRCh37 (hg19) VCF-style: chr9-137711861-C-T.
Other names: c.4447-101C>T (NM_001278074.1).
Identifiers: ClinVar variation 675611 (VCV000675611.2), dbSNP rs80224569, ClinGen allele CA201097496.